The following is an entry in ClinVar:

ClinVar aggregate classification (germline): Benign (1 of 4 stars; one submission).

Conditions:
USP48-related condition.

gnomAD v4.1: 5,227 of 1,614,088 alleles (0.32%); highest among the groups gnomAD compares: Non-Finnish European, 0.39%; 9 homozygotes.

Submission:

PreventionGenetics, part of Exact Sciences
Classification: Benign for USP48-related condition. Last evaluated: 2025-09-10. Review status: criteria provided, single submitter. Criteria: ACMG Guidelines, 2015. Collection method: clinical testing. Allele origin: germline.
Comment: This variant is classified as benign based on ACMG/AMP sequence variant interpretation guidelines (Richards et al. 2015 PMID: 25741868, with internal and published modifications).

NM_032236.8(USP48):c.1894+7C>T

Gene: USP48 (ubiquitin specific peptidase 48; minus strand). Cytogenetic location: 1p36.12.
Variant type: single nucleotide variant.
Coding change: c.1894+7C>T on transcript NM_032236.8 (MANE Select); 7 bases into the intron after coding-DNA position 1894, C replaced by T.
Molecular consequence: intron variant.
Genome position (GRCh38, 1-based): chr1:21,721,029, G>A on the plus strand (C>T on the coding strand, the complement: USP48 is on the minus strand). VCF-style: chr1-21721029-G-A. GRCh37 (hg19) VCF-style: chr1-22047522-G-A.
Other names: c.1693+7C>T (NM_001350164.2); c.1888+7C>T (NM_001350166.2); c.1891+7C>T (NM_001350167.2, NM_001350168.2); c.1894+7C>T (NM_001330394.3).
Identifiers: ClinVar variation 4981093 (VCV004981093.1).